The following is an entry in ClinVar:

ClinVar aggregate classification (germline): Conflicting classifications of pathogenicity. Review status: criteria provided, conflicting classifications (1 of 4 stars). 5 submissions from 5 submitters: Uncertain significance (1); Benign (1); Likely benign (3). Last evaluated 2025-05-02.

Conditions:
Hereditary cancer-predisposing syndrome. Also called: Tumor predisposition; Neoplastic Syndromes, Hereditary; Hereditary neoplastic syndrome; Hereditary Cancer Syndrome. Identifiers: Orphanet 140162, MedGen C0027672, MeSH D009386, MONDO:0015356.
Tuberous sclerosis 2 (TSC2). Identifiers: Orphanet 805, MedGen C1860707, MONDO:0013199, OMIM 613254.

Allele frequency attached by ClinVar (database versions not stated): gnomAD exomes below 0.00001.
gnomAD v4.1: 1 of 1,587,298 alleles (0.000063%); highest among the groups gnomAD compares: Non-Finnish European, 0.000086%; no homozygotes.

Submissions (5):

Myriad Genetics, Inc.
Classification: Benign for Tuberous sclerosis 2. Last evaluated: 2025-05-02. Review status: criteria provided, single submitter. Criteria: Myriad Autosomal Dominant, Autosomal Recessive and X-Linked Classification Criteria (2023). Collection method: clinical testing. Allele origin: unknown.
Comment: This variant is considered benign. This variant is a silent/synonymous amino acid change and it is not expected to impact splicing.

Women's Health and Genetics/Laboratory Corporation of America, LabCorp
Classification: Likely benign. Last evaluated: 2024-04-08. Review status: criteria provided, single submitter. Criteria: LabCorp Variant Classification Summary - May 2015. Collection method: clinical testing. Allele origin: germline.

Labcorp Genetics (formerly Invitae), Labcorp
Classification: Likely benign for Tuberous sclerosis 2. Last evaluated: 2024-01-27. Review status: criteria provided, single submitter. Criteria: Invitae Variant Classification Sherloc (09022015). Collection method: clinical testing. Allele origin: germline.

Ambry Genetics
Classification: Likely benign for Hereditary cancer-predisposing syndrome. Last evaluated: 2023-03-26. Review status: criteria provided, single submitter. Criteria: Ambry Variant Classification Scheme 2023. Collection method: clinical testing. Allele origin: germline.

Quest Diagnostics Nichols Institute San Juan Capistrano
Classification: Uncertain significance. Last evaluated: 2021-08-30. Review status: criteria provided, single submitter. Criteria: Quest Diagnostics criteria. Collection method: clinical testing. Allele origin: unknown.

NM_000548.5(TSC2):c.294G>A (p.Arg98=)

Gene: TSC2 (TSC complex subunit 2; plus strand). Cytogenetic location: 16p13.3.
Variant type: single nucleotide variant.
Coding change: c.294G>A on transcript NM_000548.5 (MANE Select); coding-DNA position 294, G replaced by A.
Protein change: p.Arg98=; no amino-acid change (arginine 98 retained).
Molecular consequence: synonymous variant. On other transcripts: 5 prime UTR variant (14), non-coding transcript variant (5), intron variant (9).
Genome position (GRCh38, 1-based): chr16:2,053,410, G>A. VCF-style: chr16-2053410-G-A. GRCh37 (hg19) VCF-style: chr16-2103411-G-A.
Other names: c.294G>A, p.Arg98= (NM_001077183.3, NM_001114382.3, NM_001363528.2 and 10 more transcripts); c.147G>A, p.Arg49= (NM_001318829.2, NM_001406675.1, NM_001406676.1 and 2 more transcripts); c.327G>A, p.Arg109= (NM_001318832.2); c.-523G>A (NM_001406680.1, NM_001406683.1, NM_001406687.1); c.-152G>A (NM_001406681.1); c.-1138G>A (NM_001406689.1, NM_001406690.1, NM_001406691.1 and 2 more transcripts); c.-1444G>A (NM_001406693.1); c.-1019G>A (NM_001406694.1, NM_001406695.1); and 4 more.
Identifiers: ClinVar variation 1809593 (VCV001809593.10), dbSNP rs2085370771, ClinGen allele CA492955237.